The following is an entry in ClinVar:

ClinVar aggregate classification (germline): Uncertain significance (1 of 4 stars; one submission).

Allele frequency attached by ClinVar (database versions not stated): gnomAD 0.00001.
gnomAD v4.1: 1 of 1,613,836 alleles (0.000062%); highest among the groups gnomAD compares: Middle Eastern, 0.016%; no homozygotes.

Submission:

Labcorp Genetics (formerly Invitae), Labcorp
Classification: Uncertain significance. Last evaluated: 2022-07-11. Review status: criteria provided, single submitter. Criteria: Invitae Variant Classification Sherloc (09022015). Collection method: clinical testing. Allele origin: germline.
Comment: This sequence change replaces phenylalanine, which is neutral and non-polar, with serine, which is neutral and polar, at codon 150 of the LCA5 protein (p.Phe150Ser). This variant is present in population databases (no rsID available, gnomAD 0.007%). This variant has not been reported in the literature in individuals affected with LCA5-related conditions. ClinVar contains an entry for this variant (Variation ID: 1433714). Algorithms developed to predict the effect of missense changes on protein structure and function are either unavailable or do not agree on the potential impact of this missense change (SIFT: "Deleterious"; PolyPhen-2: "Probably Damaging"; Align-GVGD: "Class C0"). In summary, the available evidence is currently insufficient to determine the role of this variant in disease. Therefore, it has been classified as a Variant of Uncertain Significance.

NM_001122769.3(LCA5):c.449T>C (p.Phe150Ser)

Gene: LCA5 (lebercilin LCA5; minus strand). Cytogenetic location: 6q14.1.
Variant type: single nucleotide variant.
Coding change: c.449T>C on transcript NM_001122769.3 (MANE Select); coding-DNA position 449, T replaced by C.
Protein change: p.Phe150Ser; replaces phenylalanine 150 with serine.
Molecular consequence: missense variant.
Genome position (GRCh38, 1-based): chr6:79,513,483, A>G on the plus strand (T>C on the coding strand, the complement: LCA5 is on the minus strand). VCF-style: chr6-79513483-A-G. GRCh37 (hg19) VCF-style: chr6-80223200-A-G.
Other names: c.449T>C, p.Phe150Ser (NM_181714.4); short protein forms F150S.
Identifiers: ClinVar variation 1433714 (VCV001433714.3), dbSNP rs1420223907, ClinGen allele CA364628938.
Genomic context (GRCh38, chr6:79,513,483, plus strand): 5'-GCTGTAATCTCATTGTTATGACGAAATATAAGTTGTGAGATTTCATTTTCGGCATCTTCA[A>G]ACTTATTCAGGGCTTTCTCCTGTCTGTACTGAAGCCTTTTCAAAGATTTATTTTCTTTTA-3'
Protein context (NP_001116241.1, residues 140-160): QYRQEKALNK[Phe150Ser]EDAENEISQL